The following is an entry in ClinVar:

NM_006031.6(PCNT):c.7360C>G (p.Leu2454Val)

Gene: PCNT (pericentrin; plus strand). Cytogenetic location: 21q22.3.
Variant type: single nucleotide variant.
Coding change: c.7360C>G on transcript NM_006031.6 (MANE Select); coding-DNA position 7360, C replaced by G.
Protein change: p.Leu2454Val; replaces leucine 2454 with valine.
Molecular consequence: missense variant.
Genome position (GRCh38, 1-based): chr21:46,427,661, C>G. VCF-style: chr21-46427661-C-G. GRCh37 (hg19) VCF-style: chr21-47847575-C-G.
Other names: c.7006C>G, p.Leu2336Val (NM_001315529.2); short protein forms L2336V, L2454V.
Identifiers: ClinVar variation 3348793 (VCV003348793.1).

ClinVar aggregate classification (germline): Uncertain significance (0 of 4 stars; one submission).

Conditions:
PCNT-related disorder. Also called: PCNT-related condition.

gnomAD v4.1: 4 of 1,613,886 alleles (0.00025%); highest among the groups gnomAD compares: African/African-American, 0.0053%; no homozygotes.

Submission:

PreventionGenetics, part of Exact Sciences
Classification: Uncertain significance for PCNT-related condition. Last evaluated: 2023-12-07. Review status: no assertion criteria provided. Collection method: clinical testing. Allele origin: germline.
Comment: The PCNT c.7360C>G variant is predicted to result in the amino acid substitution p.Leu2454Val. To our knowledge, this variant has not been reported in the literature. This variant is reported in 0.0062% of alleles in individuals of African descent in gnomAD. At this time, the clinical significance of this variant is uncertain due to the absence of conclusive functional and genetic evidence.